The following is an entry in ClinVar:

NM_000238.4(KCNH2):c.915C>T (p.Thr305=)

Gene: KCNH2 (potassium voltage-gated channel subfamily H member 2; minus strand). Cytogenetic location: 7q36.1.
Variant type: single nucleotide variant.
Coding change: c.915C>T on transcript NM_000238.4 (MANE Select); coding-DNA position 915, C replaced by T.
Protein change: p.Thr305=; no amino-acid change (threonine 305 retained).
Molecular consequence: synonymous variant. On other transcripts: non-coding transcript variant (1).
Genome position (GRCh38, 1-based): chr7:150,958,060, G>A on the plus strand (C>T on the coding strand, the complement: KCNH2 is on the minus strand). VCF-style: chr7-150958060-G-A. GRCh37 (hg19) VCF-style: chr7-150655148-G-A.
Other names: c.627C>T, p.Thr209= (NM_001406753.1, NM_001406756.1); c.738C>T, p.Thr246= (NM_001406755.1); c.615C>T, p.Thr205= (NM_001406757.1); c.915C>T, p.Thr305= (NM_172056.3).
Identifiers: ClinVar variation 2791782 (VCV002791782.3), dbSNP rs1801436561, ClinGen allele CA458871564.
Genomic context (GRCh38, chr7:150,958,060, plus strand): 5'-CAAGCCTGGCAGCAGAAGAAGCGTGGGCTGGGGCGGAACGGGTCCCGCGGCGCCCTCACC[G>A]GTGCTGGCGTGGCGCGGTGGCGGGGGCAGCACCCCGGCGCGCATGGCCTCGATGTCGTCG-3'
Protein context (NP_000229.1, residues 295-315): VLPPPPRHAS[Thr305=]GAMHPLRSGL

ClinVar aggregate classification (germline): Uncertain significance (1 of 4 stars; one submission).

Conditions:
Long QT syndrome (LQTS). Identifiers: MedGen C0023976, MeSH D008133, MONDO:0002442. Disease mechanism: loss of function. Inheritance: Various modes of inheritance.

Allele frequency attached by ClinVar (database versions not stated): gnomAD 0.00001.

Submission:

Labcorp Genetics (formerly Invitae), Labcorp
Classification: Uncertain significance for Long QT syndrome. Last evaluated: 2022-12-26. Review status: criteria provided, single submitter. Criteria: Invitae Variant Classification Sherloc (09022015). Collection method: clinical testing. Allele origin: germline.
Comment: This variant has not been reported in the literature in individuals affected with KCNH2-related conditions. This variant is not present in population databases (gnomAD no frequency). This sequence change affects codon 305 of the KCNH2 mRNA. It is a 'silent' change, meaning that it does not change the encoded amino acid sequence of the KCNH2 protein. It affects a nucleotide within the consensus splice site. Algorithms developed to predict the effect of sequence changes on RNA splicing suggest that this variant is not likely to affect RNA splicing. In summary, the available evidence is currently insufficient to determine the role of this variant in disease. Therefore, it has been classified as a Variant of Uncertain Significance.